The following is an entry in ClinVar:

ClinVar aggregate classification (germline): Uncertain significance. Review status: criteria provided, multiple submitters, no conflicts (2 of 4 stars). 2 submissions from 2 submitters: Uncertain significance (2). Last evaluated 2024-02-16.

Conditions:
Congenital disorder of deglycosylation (CDDG). Identifiers: MedGen C3808991, MONDO:0031376.

Allele frequency attached by ClinVar (database versions not stated): gnomAD exomes 0.00001 and 0.00004; ExAC 0.00003.
gnomAD v4.1: 15 of 1,610,722 alleles (0.00093%); highest among the groups gnomAD compares: South Asian, 0.013%; no homozygotes.

Submissions (2):

Labcorp Genetics (formerly Invitae), Labcorp
Classification: Uncertain significance for Congenital disorder of deglycosylation. Last evaluated: 2024-02-16. Review status: criteria provided, single submitter. Criteria: Invitae Variant Classification Sherloc (09022015). Collection method: clinical testing. Allele origin: germline.
Comment: This sequence change replaces leucine, which is neutral and non-polar, with phenylalanine, which is neutral and non-polar, at codon 417 of the NGLY1 protein (p.Leu417Phe). This variant is present in population databases (rs777927774, gnomAD 0.03%). This variant has not been reported in the literature in individuals affected with NGLY1-related conditions. ClinVar contains an entry for this variant (Variation ID: 583078). Advanced modeling of protein sequence and biophysical properties (such as structural, functional, and spatial information, amino acid conservation, physicochemical variation, residue mobility, and thermodynamic stability) performed at Invitae indicates that this missense variant is not expected to disrupt NGLY1 protein function with a negative predictive value of 80%. In summary, the available evidence is currently insufficient to determine the role of this variant in disease. Therefore, it has been classified as a Variant of Uncertain Significance.

Dubai Health Genomic Medicine Center, Dubai Health
Classification: Uncertain significance for Congenital disorder of deglycosylation 1. Last evaluated: 2020-11-01. Review status: criteria provided, single submitter. Criteria: ACMG Guidelines, 2015. Collection method: clinical testing. Allele origin: germline. Affected: yes.

NM_018297.4(NGLY1):c.1249C>T (p.Leu417Phe)

Gene: NGLY1 (N-glycanase 1; minus strand). Cytogenetic location: 3p24.2.
Variant type: single nucleotide variant.
Coding change: c.1249C>T on transcript NM_018297.4 (MANE Select); coding-DNA position 1249, C replaced by T.
Protein change: p.Leu417Phe; replaces leucine 417 with phenylalanine.
Molecular consequence: missense variant.
Genome position (GRCh38, 1-based): chr3:25,733,883, G>A on the plus strand (C>T on the coding strand, the complement: NGLY1 is on the minus strand). VCF-style: chr3-25733883-G-A. GRCh37 (hg19) VCF-style: chr3-25775374-G-A.
Other names: c.1195C>T, p.Leu399Phe (NM_001145293.2); c.1123C>T, p.Leu375Phe (NM_001145294.2); c.1249C>T, p.Leu417Phe (NM_001145295.2); short protein forms L375F, L417F, L399F.
Identifiers: ClinVar variation 583078 (VCV000583078.8), dbSNP rs777927774, ClinGen allele CA2289219.